The following is an entry in ClinVar:

ClinVar aggregate classification (germline): Uncertain significance (1 of 4 stars; one submission).

Conditions:
Chédiak-Higashi syndrome (CHS). Also called: Chediak-Higashi Syndrome. Identifiers: Orphanet 167, MedGen C0007965, MONDO:0008963, OMIM 214500.

Allele frequency attached by ClinVar (database versions not stated): TOPMed below 0.00001.

Submission:

Labcorp Genetics (formerly Invitae), Labcorp
Classification: Uncertain significance for Chédiak-Higashi syndrome. Last evaluated: 2023-12-17. Review status: criteria provided, single submitter. Criteria: Invitae Variant Classification Sherloc (09022015). Collection method: clinical testing. Allele origin: germline.
Comment: This sequence change replaces aspartic acid, which is acidic and polar, with histidine, which is basic and polar, at codon 892 of the LYST protein (p.Asp892His). This variant is not present in population databases (gnomAD no frequency). This variant has not been reported in the literature in individuals affected with LYST-related conditions. Advanced modeling of protein sequence and biophysical properties (such as structural, functional, and spatial information, amino acid conservation, physicochemical variation, residue mobility, and thermodynamic stability) performed at Invitae indicates that this missense variant is not expected to disrupt LYST protein function with a negative predictive value of 80%. In summary, the available evidence is currently insufficient to determine the role of this variant in disease. Therefore, it has been classified as a Variant of Uncertain Significance.

NM_000081.4(LYST):c.2674G>C (p.Asp892His)

Gene: LYST (lysosomal trafficking regulator; minus strand). Cytogenetic location: 1q42.3.
Variant type: single nucleotide variant.
Coding change: c.2674G>C on transcript NM_000081.4 (MANE Select); coding-DNA position 2674, G replaced by C.
Protein change: p.Asp892His; replaces aspartic acid 892 with histidine.
Molecular consequence: missense variant.
Genome position (GRCh38, 1-based): chr1:235,806,462, C>G on the plus strand (G>C on the coding strand, the complement: LYST is on the minus strand). VCF-style: chr1-235806462-C-G. GRCh37 (hg19) VCF-style: chr1-235969762-C-G.
Other names: c.2674G>C, p.Asp892His (NM_001301365.1); short protein forms D892H.
Identifiers: ClinVar variation 2749597 (VCV002749597.3), dbSNP rs1307393549, ClinGen allele CA344955940.